The following is an entry in ClinVar:

NM_032043.3(BRIP1):c.302A>G (p.Asn101Ser)

Gene: BRIP1 (BRCA1 interacting DNA helicase 1; minus strand). Cytogenetic location: 17q23.2.
Variant type: single nucleotide variant.
Coding change: c.302A>G on transcript NM_032043.3 (MANE Select); coding-DNA position 302, A replaced by G.
Protein change: p.Asn101Ser; replaces asparagine 101 with serine.
Molecular consequence: missense variant.
Genome position (GRCh38, 1-based): chr17:61,857,135, T>C on the plus strand (A>G on the coding strand, the complement: BRIP1 is on the minus strand). VCF-style: chr17-61857135-T-C. GRCh37 (hg19) VCF-style: chr17-59934496-T-C.
Other names: short protein forms N101S.
Identifiers: ClinVar variation 5033468 (VCV005033468.1).

ClinVar aggregate classification (germline): Uncertain significance (1 of 4 stars; one submission).

Conditions:
Hereditary cancer-predisposing syndrome. Also called: Neoplastic Syndromes, Hereditary; Tumor predisposition; Hereditary neoplastic syndrome; Hereditary Cancer Syndrome. Identifiers: Orphanet 140162, MedGen C0027672, MeSH D009386, MONDO:0015356.

Submission:

Ambry Genetics
Classification: Uncertain significance for Hereditary cancer-predisposing syndrome. Last evaluated: 2026-09-07. Review status: criteria provided, single submitter. Criteria: Ambry Variant Classification Scheme 2023. Collection method: clinical testing. Allele origin: germline.
Comment: The p.N101S variant (also known as c.302A>G), located in coding exon 3 of the BRIP1 gene, results from an A to G substitution at nucleotide position 302. The asparagine at codon 101 is replaced by serine, an amino acid with highly similar properties. This amino acid position is conserved. In addition, this alteration is predicted to be tolerated by in silico analysis. Based on the available evidence, the clinical significance of this variant remains unclear.